The following is an entry in ClinVar:

ClinVar aggregate classification (germline): Likely pathogenic (1 of 4 stars; one submission).

Submission:

Dasa
Classification: Likely pathogenic. Last evaluated: 2025-10-01. Review status: criteria provided, single submitter. Criteria: DASA Assertion Criteria. Collection method: clinical testing. Allele origin: germline.
Comment: NM_018838.5(NDUFA12):c.67dup (p.Tyr23Leufs*10) is a frameshift variant in NDUFA12 predicted to alter the reading frame and introduce a premature termination codon and is predicted to result in an absent or altered protein product. Loss of function is an established disease mechanism for NDUFA12-associated disorders. Also, this variant is absent from population databases. Based on the currently available evidence, this variant is classified as likely pathogenic.

NM_018838.5(NDUFA12):c.67dup (p.Tyr23fs)

Gene: NDUFA12 (NADH:ubiquinone oxidoreductase subunit A12; minus strand). Cytogenetic location: 12q22.
Variant type: Duplication.
Coding change: c.67dup on transcript NM_018838.5 (MANE Select); coding-DNA position 67, one base duplicated (T; older notation c.67dupT).
Protein change: p.Tyr23fs; shifts the reading frame from tyrosine 23.
Molecular consequence: frameshift variant.
Genome position (GRCh38, 1-based): chr12:95,003,614, A duplicated on the plus strand (T on the coding strand, the reverse complement: NDUFA12 is on the minus strand). VCF-style (leftmost placement, unchanged base first): chr12-95003613-T-TA. GRCh37 (hg19) VCF-style: chr12-95397389-T-TA.
Other names: c.67dup, p.Tyr23fs (NM_001258338.2); short protein forms Y23fs.
Identifiers: ClinVar variation 4852642 (VCV004852642.2).
Genomic context (GRCh38, chr12:95,003,613, plus strand): 5'-AGTCCAGCCCCAGAGGCCAAGAGCATGGCTCTGGCCGCCTACCTGAAAAAAACCCGTAGA[T>TA]AGCCTCGGAGACCGCCGTGGCCGGTGATCTGCTGCAGCCCGCGTTTCAGGACCTGCACTA-3'